The following is an entry in ClinVar:

ClinVar aggregate classification (germline): Uncertain significance. Review status: criteria provided, multiple submitters, no conflicts (2 of 4 stars). 2 submissions from 2 submitters: Uncertain significance (2). Last evaluated 2023-01-04.

Conditions:
Long QT syndrome (LQTS). Identifiers: MedGen C0023976, MeSH D008133, MONDO:0002442. Disease mechanism: loss of function. Inheritance: Various modes of inheritance.

Submissions (2):

Labcorp Genetics (formerly Invitae), Labcorp
Classification: Uncertain significance for Long QT syndrome. Last evaluated: 2023-01-04. Review status: criteria provided, single submitter. Criteria: Invitae Variant Classification Sherloc (09022015). Collection method: clinical testing. Allele origin: germline.
Comment: In summary, the available evidence is currently insufficient to determine the role of this variant in disease. Therefore, it has been classified as a Variant of Uncertain Significance. Algorithms developed to predict the effect of missense changes on protein structure and function are either unavailable or do not agree on the potential impact of this missense change (SIFT: "Deleterious"; PolyPhen-2: "Probably Damaging"; Align-GVGD: "Class C0"). This variant has not been reported in the literature in individuals affected with KCNH2-related conditions. This variant is not present in population databases (gnomAD no frequency). This sequence change replaces serine, which is neutral and polar, with tryptophan, which is neutral and slightly polar, at codon 55 of the KCNH2 protein (p.Ser55Trp).

Blueprint Genetics
Classification: Uncertain significance. Last evaluated: 2022-05-06. Review status: criteria provided, single submitter. Criteria: ACMG Guidelines, 2015. Collection method: clinical testing. Allele origin: germline.

NM_000238.4(KCNH2):c.164C>G (p.Ser55Trp)

Gene: KCNH2 (potassium voltage-gated channel subfamily H member 2; minus strand). Cytogenetic location: 7q36.1.
Variant type: single nucleotide variant.
Coding change: c.164C>G on transcript NM_000238.4 (MANE Select); coding-DNA position 164, C replaced by G.
Protein change: p.Ser55Trp; replaces serine 55 with tryptophan.
Molecular consequence: missense variant. On other transcripts: 5 prime UTR variant (1), non-coding transcript variant (1).
Genome position (GRCh38, 1-based): chr7:150,974,854, G>C on the plus strand (C>G on the coding strand, the complement: KCNH2 is on the minus strand). VCF-style: chr7-150974854-G-C. GRCh37 (hg19) VCF-style: chr7-150671942-G-C.
Other names: c.-14C>G (NM_001406755.1); c.164C>G, p.Ser55Trp (NM_172056.3); short protein forms S55W.
Identifiers: ClinVar variation 2815375 (VCV002815375.4), dbSNP rs199472844, ClinGen allele CA369865767.
Genomic context (GRCh38, chr7:150,974,854, plus strand): 5'-TGCGTGCGCGGCCCGTGCAGGAAGTCGCAGGTGCAGGGTCGCTGCATCACCTCGGCCCGC[G>C]AGTAGCCGCACAGCTCGCAGAAGCCGTCGTTGCAGTAGATGACGGCGCAGTTCTCCACCC-3'
Protein context (NP_000229.1, residues 45-65): NDGFCELCGY[Ser55Trp]RAEVMQRPCT